The following is an entry in ClinVar:

NM_001378615.1(CC2D2A):c.1105C>T (p.Gln369Ter)

Genes: CC2D2A (coiled-coil and C2 domain containing 2A; plus strand), FBXL5 (F-box and leucine rich repeat protein 5; minus strand). Cytogenetic location: 4p15.32.
Variant type: single nucleotide variant.
Coding change: c.1105C>T on transcript NM_001378615.1 (MANE Select); coding-DNA position 1105, C replaced by T.
Protein change: p.Gln369Ter; replaces glutamine 369 with a stop codon.
Molecular consequence: nonsense.
Genome position (GRCh38, 1-based): chr4:15,516,712, C>T. VCF-style: chr4-15516712-C-T. GRCh37 (hg19) VCF-style: chr4-15518335-C-T.
Other names: c.1105C>T, p.Gln369Ter (NM_001080522.2); c.958C>T, p.Gln320Ter (NM_001378617.1); short protein forms Q369*, Q320*.
Identifiers: ClinVar variation 2927541 (VCV002927541.4), dbSNP rs1716895762, ClinGen allele CA356409989.
Genomic context (GRCh38, chr4:15,516,712, plus strand): 5'-AGGATCCTAGCTCTGCCAAACCCCATCAAGCCATTTCCTTCAAGGCCGCCAGTACTAACA[C>T]AGGAGCAGAGCATTAAGGCAGAGCTTGAAACACTGTATAAAAAGGTAGACACTCCCCTCT-3'

ClinVar aggregate classification (germline): Pathogenic. Review status: criteria provided, multiple submitters, no conflicts (2 of 4 stars). 2 submissions from 2 submitters: Pathogenic (2). Last evaluated 2025-11-05.

Conditions:
Joubert syndrome and related disorders. Identifiers: Orphanet 140874, MedGen C5679612, MONDO:0015369.
Joubert syndrome. Also called: JOUBERT-BOLTSHAUSER SYNDROME; Familial aplasia of the vermis. Identifiers: Orphanet 475, MedGen C5979921, MONDO:0018772.
Meckel-Gruber syndrome. Also called: DYSENCEPHALIA SPLANCHNOCYSTICA; GRUBER SYNDROME; Dysencephalia splachnocystica. Identifiers: Orphanet 564, MedGen C0265215, MONDO:0018921.

Allele frequency attached by ClinVar (database versions not stated): gnomAD exomes below 0.00001; gnomAD 0.00001.
gnomAD v4.1: 2 of 1,613,346 alleles (0.00012%); highest among the groups gnomAD compares: South Asian, 0.0011%; no homozygotes.

Submissions (2):

Labcorp Genetics (formerly Invitae), Labcorp
Classification: Pathogenic for Joubert syndrome; Meckel-Gruber syndrome. Last evaluated: 2025-11-05. Review status: criteria provided, single submitter. Criteria: Invitae Variant Classification Sherloc (09022015). Collection method: clinical testing. Allele origin: germline.
Comment: This sequence change creates a premature translational stop signal (p.Gln369*) in the CC2D2A gene. It is expected to result in an absent or disrupted protein product. Loss-of-function variants in CC2D2A are known to be pathogenic (PMID: 19777577). This variant is not present in population databases (gnomAD no frequency). This variant has not been reported in the literature in individuals affected with CC2D2A-related conditions. ClinVar contains an entry for this variant (Variation ID: 2927541). For these reasons, this variant has been classified as Pathogenic.

Myriad Genetics, Inc.
Classification: Pathogenic for Joubert syndrome and related disorders. Last evaluated: 2024-09-16. Review status: criteria provided, single submitter. Criteria: Myriad Autosomal Dominant, Autosomal Recessive and X-Linked Classification Criteria (2023). Collection method: clinical testing. Allele origin: unknown.
Comment: NM_001080522.2(CC2D2A):c.1105C>T(Q369*) is expected to be pathogenic in the context of CC2D2A-related disorders. This variant is predicted to lead to an abnormal or absent protein product due to the creation of a premature termination codon in CC2D2A, a gene where loss-of-function variants are known to be pathogenic. Please note: this variant was assessed in the context of healthy population screening.

Literature cited by the submitters: PubMed 19777577 (cited by Labcorp Genetics (formerly Invitae), Labcorp).